The following is an entry in ClinVar:

NM_000312.4(PROC):c.660G>A (p.Arg220=)

Gene: PROC (protein C, inactivator of coagulation factors Va and VIIIa; plus strand). Cytogenetic location: 2q14.3.
Variant type: single nucleotide variant.
Coding change: c.660G>A on transcript NM_000312.4 (MANE Select); coding-DNA position 660, G replaced by A.
Protein change: p.Arg220=; no amino-acid change (arginine 220 retained).
Molecular consequence: synonymous variant.
Genome position (GRCh38, 1-based): chr2:127,426,209, G>A. VCF-style: chr2-127426209-G-A. GRCh37 (hg19) VCF-style: chr2-128183785-G-A.
Other names: c.843G>A, p.Arg281= (NM_001375602.1); c.825G>A, p.Arg275= (NM_001375603.1); c.723G>A, p.Arg241= (NM_001375604.1); c.762G>A, p.Arg254= (NM_001375605.1); c.828G>A, p.Arg276= (NM_001375606.1); c.846G>A, p.Arg282= (NM_001375607.1); c.603G>A, p.Arg201= (NM_001375608.1); c.636G>A, p.Arg212= (NM_001375609.1); and 2 more.
Identifiers: ClinVar variation 893645 (VCV000893645.19), dbSNP rs1688487502, ClinGen allele CA428618353.

ClinVar aggregate classification (germline): Conflicting classifications of pathogenicity. Review status: criteria provided, conflicting classifications (1 of 4 stars). 3 submissions from 3 submitters: Uncertain significance (1); Likely benign (2). Last evaluated 2025-11-01.

Conditions:
Thrombophilia due to protein C deficiency, autosomal dominant. Also called: PROC DEFICIENCY, AUTOSOMAL DOMINANT; PROTEIN C DEFICIENCY, AUTOSOMAL DOMINANT. Identifiers: Orphanet 745, MedGen C2674321, MONDO:0008316, OMIM 176860. Disease mechanism: loss of function.

Allele frequency attached by ClinVar (database versions not stated): TOPMed 0.00001; gnomAD 0.00001; gnomAD exomes 0.00001.
gnomAD v4.1: 17 of 1,613,960 alleles (0.0011%); highest among the groups gnomAD compares: Admixed American, 0.0017%; no homozygotes.

Submissions (3):

CeGaT Center for Human Genetics Tuebingen
Classification: Likely benign. Last evaluated: 2025-11-01. Review status: criteria provided, single submitter. Criteria: CeGaT Center For Human Genetics Tuebingen Variant Classification Criteria Version 2. Collection method: clinical testing. Allele origin: germline. Affected: yes. Observed: 1 variant allele.
Comment: PROC: BP7

Labcorp Genetics (formerly Invitae), Labcorp
Classification: Likely benign for Thrombophilia due to protein C deficiency, autosomal dominant. Last evaluated: 2024-02-27. Review status: criteria provided, single submitter. Criteria: Invitae Variant Classification Sherloc (09022015). Collection method: clinical testing. Allele origin: germline.

Illumina Laboratory Services, Illumina
Classification: Uncertain significance for Thrombophilia due to protein C deficiency, autosomal dominant. Last evaluated: 2018-01-15. Review status: criteria provided, single submitter. Criteria: ICSL Variant Classification Criteria 13 December 2019. Collection method: clinical testing. Allele origin: germline.